The following is an entry in ClinVar:

ClinVar aggregate classification (germline): Uncertain significance. Review status: criteria provided, multiple submitters, no conflicts (2 of 4 stars). 2 submissions from 2 submitters: Uncertain significance (2). Last evaluated 2025-05-22.

Conditions:
Hepatic methionine adenosyltransferase deficiency. Also called: MAT I/III DEFICIENCY; Isolated Persistent Hypermethioninemia; Deficiency of methionine adenosyltransferase; Methionine adenosyltransferase deficiency. Identifiers: Orphanet 168598, MedGen C0268621, MeSH C564683, MONDO:0009607, OMIM 250850.

gnomAD v4.1: 4 of 1,614,002 alleles (0.00025%); highest among the groups gnomAD compares: East Asian, 0.0022%; no homozygotes.

Submissions (2):

Women's Health and Genetics/Laboratory Corporation of America, LabCorp
Classification: Uncertain significance. Last evaluated: 2025-05-22. Review status: criteria provided, single submitter. Criteria: LabCorp Variant Classification Summary - May 2015. Collection method: clinical testing. Allele origin: germline.
Comment: Variant summary: MAT1A c.422A>G (p.Tyr141Cys) results in a non-conservative amino acid change in the encoded protein sequence. Algorithms developed to predict the effect of missense changes on protein structure and function all suggest that this variant is likely to be disruptive. The variant was absent in 251352 control chromosomes. The available data on variant occurrences in the general population are insufficient to allow any conclusion about variant significance. c.422A>G has been observed in at-least one individual with Hepatic methionine adenosyltransferase deficiency, without strong evidence of causality (example: Tong_2022). These report(s) do not provide unequivocal conclusions about association of the variant with Hepatic methionine adenosyltransferase deficiency. To our knowledge, no experimental evidence demonstrating an impact on protein function has been reported. The following publication has been ascertained in the context of this evaluation (PMID: 36704196). ClinVar contains an entry for this variant (Variation ID: 2957164). Based on the evidence outlined above, the variant was classified as uncertain significance.

Labcorp Genetics (formerly Invitae), Labcorp
Classification: Uncertain significance for Hepatic methionine adenosyltransferase deficiency. Last evaluated: 2023-08-24. Review status: criteria provided, single submitter. Criteria: Invitae Variant Classification Sherloc (09022015). Collection method: clinical testing. Allele origin: germline.
Comment: This sequence change replaces tyrosine, which is neutral and polar, with cysteine, which is neutral and slightly polar, at codon 141 of the MAT1A protein (p.Tyr141Cys). This variant is not present in population databases (gnomAD no frequency). This variant has not been reported in the literature in individuals affected with MAT1A-related conditions. Advanced modeling of protein sequence and biophysical properties (such as structural, functional, and spatial information, amino acid conservation, physicochemical variation, residue mobility, and thermodynamic stability) performed at Invitae indicates that this missense variant is expected to disrupt MAT1A protein function. In summary, the available evidence is currently insufficient to determine the role of this variant in disease. Therefore, it has been classified as a Variant of Uncertain Significance.

Literature cited by the submitters: PubMed 36704196 (cited by Women's Health and Genetics/Laboratory Corporation of America, LabCorp).

NM_000429.3(MAT1A):c.422A>G (p.Tyr141Cys)

Gene: MAT1A (methionine adenosyltransferase 1A; minus strand). Cytogenetic location: 10q22.3.
Variant type: single nucleotide variant.
Coding change: c.422A>G on transcript NM_000429.3 (MANE Select); coding-DNA position 422, A replaced by G.
Protein change: p.Tyr141Cys; replaces tyrosine 141 with cysteine.
Molecular consequence: missense variant.
Genome position (GRCh38, 1-based): chr10:80,280,300, T>C on the plus strand (A>G on the coding strand, the complement: MAT1A is on the minus strand). VCF-style: chr10-80280300-T-C. GRCh37 (hg19) VCF-style: chr10-82040056-T-C.
Other names: short protein forms Y141C.
Identifiers: ClinVar variation 2957164 (VCV002957164.4), dbSNP rs1841547592, ClinGen allele CA377362858.